The following is an entry in ClinVar:

ClinVar aggregate classification (germline): Conflicting classifications of pathogenicity. Review status: criteria provided, conflicting classifications (1 of 4 stars). 10 submissions from 10 submitters: Uncertain significance (4); Likely benign (5). 1 of the submissions does not count toward it. Last evaluated 2026-04-01.

Conditions:
Autoinflammatory syndrome. Identifiers: Orphanet 93665, MedGen C3890737, MONDO:0019751.
Inborn genetic diseases. Identifiers: MedGen C0950123, MeSH D030342.
Chédiak-Higashi syndrome (CHS). Also called: Chediak-Higashi Syndrome. Identifiers: Orphanet 167, MedGen C0007965, MONDO:0008963, OMIM 214500.
Thrombocytopenia. Identifiers: MedGen C0040034, MeSH D013921, MONDO:0002049, HP:0001873.
Abnormal bleeding. Also called: Bleeding diathesis. Identifiers: MedGen C1458140, HP:0001892.

Allele frequency attached by ClinVar (database versions not stated): ESP Exome Variant Server 0.00046; gnomAD 0.00047 and 0.00054; TOPMed 0.00056; 1000 Genomes Project 30x 0.00078; 1000 Genomes Project 0.00080; gnomAD exomes 0.00080 and 0.00081; ExAC 0.00098.
gnomAD v4.1: 1,262 of 1,613,016 alleles (0.078%); highest among the groups gnomAD compares: South Asian, 0.16%; 2 homozygotes.

Submissions (10):

CeGaT Center for Human Genetics Tuebingen
Classification: Likely benign. Last evaluated: 2026-04-01. Review status: criteria provided, single submitter. Criteria: CeGaT Center For Human Genetics Tuebingen Variant Classification Criteria Version 2. Collection method: clinical testing. Allele origin: germline. Affected: yes. Observed: 4 variant alleles.
Comment: LYST: BS1

Mayo Clinic Laboratories, Mayo Clinic
Classification: Likely benign. Last evaluated: 2025-09-15. Review status: criteria provided, single submitter. Criteria: ACMG Guidelines, 2015. Collection method: clinical testing. Allele origin: germline. Observed: 6 variant alleles.
Comment: BS1, BP4_moderate

Women's Health and Genetics/Laboratory Corporation of America, LabCorp
Classification: Likely benign. Last evaluated: 2025-04-02. Review status: criteria provided, single submitter. Criteria: LabCorp Variant Classification Summary - May 2015. Collection method: clinical testing. Allele origin: germline.
Comment: Variant summary: LYST c.9017A>G (p.Lys3006Arg) results in a conservative amino acid change in the encoded protein sequence. Three of five in-silico tools predict a benign effect of the variant on protein function. The variant allele was found at a frequency of 0.0008 in 251276 control chromosomes, predominantly at a frequency of 0.0015 within the South Asian subpopulation in the gnomAD database, including 1 homozygotes. The observed variant frequency within South Asian control individuals in the gnomAD database is approximately 1.34 fold of the estimated maximal expected allele frequency for a pathogenic variant in LYST causing Chediak-Higashi Syndrome phenotype (0.0011). c.9017A>G has been reported in the literature in an individual affected with Cerebellar Ataxia (Coutelier_2018). These report(s) do not provide unequivocal conclusions about association of the variant with Chediak-Higashi Syndrome. To our knowledge, no experimental evidence demonstrating an impact on protein function has been reported. The following publication have been ascertained in the context of this evaluation (PMID: 29482223). ClinVar contains an entry for this variant (Variation ID: 211414). Based on the evidence outlined above, the variant was classified as likely benign.

Labcorp Genetics (formerly Invitae), Labcorp
Classification: Uncertain significance for Chédiak-Higashi syndrome. Last evaluated: 2022-09-28. Review status: criteria provided, single submitter. Criteria: Invitae Variant Classification Sherloc (09022015). Collection method: clinical testing. Allele origin: germline.
Comment: This sequence change replaces lysine, which is basic and polar, with arginine, which is basic and polar, at codon 3006 of the LYST protein (p.Lys3006Arg). This variant is present in population databases (rs140934482, gnomAD 0.1%), and has an allele count higher than expected for a pathogenic variant. This variant has not been reported in the literature in individuals affected with LYST-related conditions. ClinVar contains an entry for this variant (Variation ID: 211414). Advanced modeling of protein sequence and biophysical properties (such as structural, functional, and spatial information, amino acid conservation, physicochemical variation, residue mobility, and thermodynamic stability) performed at Invitae indicates that this missense variant is not expected to disrupt LYST protein function. Algorithms developed to predict the effect of sequence changes on RNA splicing suggest that this variant may create or strengthen a splice site. In summary, the available evidence is currently insufficient to determine the role of this variant in disease. Therefore, it has been classified as a Variant of Uncertain Significance.

Ambry Genetics
Classification: Likely benign for Inborn genetic diseases. Last evaluated: 2021-12-30. Review status: criteria provided, single submitter. Criteria: Ambry Variant Classification Scheme 2023. Collection method: clinical testing. Allele origin: germline.

GeneDx
Classification: Likely benign. Last evaluated: 2020-09-29. Review status: criteria provided, single submitter. Criteria: GeneDx Variant Classification Process June 2021. Collection method: clinical testing. Allele origin: germline. Affected: yes.
Comment: This variant is associated with the following publications: (PMID: 29482223)

Genome Diagnostics Laboratory, The Hospital for Sick Children
Classification: Uncertain significance for Autoinflammatory syndrome. Last evaluated: 2019-12-01. Review status: criteria provided, single submitter. Criteria: ACMG Guidelines, 2015. Collection method: clinical testing. Allele origin: germline. Affected: yes.

Revvity Omics, Revvity
Classification: Uncertain significance for Chédiak-Higashi syndrome. Last evaluated: 2019-10-10. Review status: criteria provided, single submitter. Criteria: ACMG Guidelines, 2015. Collection method: clinical testing. Allele origin: germline.

Genetic Services Laboratory, University of Chicago
Classification: Uncertain significance. Last evaluated: 2015-04-28. Review status: criteria provided, single submitter. Criteria: ACMG Guidelines, 2015. Collection method: clinical testing. Allele origin: germline.

Birmingham Platelet Group; University of Birmingham
Classification: Uncertain significance for Thrombocytopenia; Abnormal bleeding. Last evaluated: 2020-05-01. Review status: no assertion criteria provided. Collection method: research. Allele origin: germline. Affected: yes. Not counted in ClinVar's aggregate classification.

Literature cited by the submitters: PubMed 26684649 (cited by Mayo Clinic Laboratories, Mayo Clinic); PubMed 28750028 (cited by Mayo Clinic Laboratories, Mayo Clinic); PubMed 29482223 (cited by Mayo Clinic Laboratories, Mayo Clinic and Women's Health and Genetics/Laboratory Corporation of America, LabCorp); PubMed 32935436 (cited by Mayo Clinic Laboratories, Mayo Clinic).

NM_000081.4(LYST):c.9017A>G (p.Lys3006Arg)

Gene: LYST (lysosomal trafficking regulator; minus strand). Cytogenetic location: 1q42.3.
Variant type: single nucleotide variant.
Coding change: c.9017A>G on transcript NM_000081.4 (MANE Select); coding-DNA position 9017, A replaced by G.
Protein change: p.Lys3006Arg; replaces lysine 3006 with arginine.
Molecular consequence: missense variant.
Genome position (GRCh38, 1-based): chr1:235,730,874, T>C on the plus strand (A>G on the coding strand, the complement: LYST is on the minus strand). VCF-style: chr1-235730874-T-C. GRCh37 (hg19) VCF-style: chr1-235894174-T-C.
Other names: p.Lys3006Arg; c.9017A>G, p.Lys3006Arg (NM_001301365.1); short protein forms K3006R.
Identifiers: ClinVar variation 211414 (VCV000211414.71), dbSNP rs140934482, ClinGen allele CA206778.